The following is an entry in ClinVar:

ClinVar aggregate classification (germline): Uncertain significance (1 of 4 stars; one submission).

Submission:

Labcorp Genetics (formerly Invitae), Labcorp
Classification: Uncertain significance. Last evaluated: 2025-09-14. Review status: criteria provided, single submitter. Criteria: Invitae Variant Classification Sherloc (09022015). Collection method: clinical testing. Allele origin: germline.
Comment: This sequence change replaces methionine, which is neutral and non-polar, with isoleucine, which is neutral and non-polar, at codon 1289 of the ATR protein (p.Met1289Ile). This variant is not present in population databases (gnomAD no frequency). This variant has not been reported in the literature in individuals affected with ATR-related conditions. An algorithm developed to predict the effect of missense changes on protein structure and function (PolyPhen-2) suggests that this variant is likely to be tolerated. In summary, the available evidence is currently insufficient to determine the role of this variant in disease. Therefore, it has been classified as a Variant of Uncertain Significance.

NM_001184.4(ATR):c.3867G>A (p.Met1289Ile)

Gene: ATR (ATR checkpoint kinase; minus strand). Cytogenetic location: 3q23.
Variant type: single nucleotide variant.
Coding change: c.3867G>A on transcript NM_001184.4 (MANE Select); coding-DNA position 3867, G replaced by A.
Protein change: p.Met1289Ile; replaces methionine 1289 with isoleucine.
Molecular consequence: missense variant.
Genome position (GRCh38, 1-based): chr3:142,535,158, C>T on the plus strand (G>A on the coding strand, the complement: ATR is on the minus strand). VCF-style: chr3-142535158-C-T. GRCh37 (hg19) VCF-style: chr3-142254000-C-T.
Other names: c.3675G>A, p.Met1225Ile (NM_001354579.2); short protein forms M1289I, M1225I.
Identifiers: ClinVar variation 4727141 (VCV004727141.1).